The following is an entry in ClinVar:

ClinVar aggregate classification (germline): Uncertain significance (1 of 4 stars; one submission).

Conditions:
Inborn genetic diseases. Identifiers: MedGen C0950123, MeSH D030342.

Allele frequency attached by ClinVar (database versions not stated): gnomAD exomes below 0.00001.
gnomAD v4.1: 4 of 1,611,768 alleles (0.00025%); highest among the groups gnomAD compares: Non-Finnish European, 0.00025%; no homozygotes.

Submission:

Ambry Genetics
Classification: Uncertain significance for Inborn genetic diseases. Last evaluated: 2022-05-19. Review status: criteria provided, single submitter. Criteria: Ambry Variant Classification Scheme 2023. Collection method: clinical testing. Allele origin: germline.
Comment: The p.F2349Y variant (also known as c.7046T>A), located in coding exon 48 of the LRRK2 gene, results from a T to A substitution at nucleotide position 7046. The phenylalanine at codon 2349 is replaced by tyrosine, an amino acid with highly similar properties. This amino acid position is conserved. In addition, this alteration is predicted to be tolerated by in silico analysis. Since supporting evidence is limited at this time, the clinical significance of this alteration remains unclear.

NM_198578.4(LRRK2):c.7046T>A (p.Phe2349Tyr)

Gene: LRRK2 (leucine rich repeat kinase 2; plus strand). Cytogenetic location: 12q12.
Variant type: single nucleotide variant.
Coding change: c.7046T>A on transcript NM_198578.4 (MANE Select); coding-DNA position 7046, T replaced by A.
Protein change: p.Phe2349Tyr; replaces phenylalanine 2349 with tyrosine.
Molecular consequence: missense variant.
Genome position (GRCh38, 1-based): chr12:40,363,419, T>A. VCF-style: chr12-40363419-T-A. GRCh37 (hg19) VCF-style: chr12-40757221-T-A.
Other names: short protein forms F2349Y.
Identifiers: ClinVar variation 1756855 (VCV001756855.2), dbSNP rs2500026847, ClinGen allele CA384413111.
Genomic context (GRCh38, chr12:40,363,419, plus strand): 5'-AGAAAACAAATAGTGATGACTTTCTATTTTTTTTTCTCTGTAGGTTTTCTTATGCAGCTT[T>A]CAGTGATTCCAACATCATAACAGTGGTGGTAGACACTGCTCTCTATATTGCTAAGCAAAA-3'
Protein context (NP_940980.4, residues 2339-2359): RTSQLFSYAA[Phe2349Tyr]SDSNIITVVV